The following is an entry in ClinVar:

NM_016011.5(MECR):c.976_977delinsTT (p.Glu326Leu)

Gene: MECR (mitochondrial trans-2-enoyl-CoA reductase; minus strand). Cytogenetic location: 1p35.3.
Variant type: Indel.
Coding change: c.976_977delinsTT on transcript NM_016011.5 (MANE Select); coding-DNA positions 976 to 977, GA replaced by TT.
Protein change: p.Glu326Leu; replaces glutamic acid 326 with leucine.
Molecular consequence: missense variant. On other transcripts: non-coding transcript variant (4).
Genome position (GRCh38, 1-based): chr1:29,194,167-29,194,168, TC replaced by AA on the plus strand (GA replaced by TT on the coding strand, the reverse complement: MECR is on the minus strand). VCF-style: chr1-29194167-TC-AA. GRCh37 (hg19) VCF-style: chr1-29520679-TC-AA.
Other names: c.748_749delinsTT, p.Glu250Leu (NM_001024732.4, NM_001349711.2, NM_001349712.2 and 2 more transcripts); c.1081_1082delinsTT, p.Glu361Leu (NM_001349715.2); c.1060_1061delinsTT, p.Glu354Leu (NM_001349716.2); c.826_827delinsTT, p.Glu276Leu (NM_001349717.2); short protein forms E276L, E326L, E354L, E250L, E361L.
Identifiers: ClinVar variation 1395625 (VCV001395625.6), dbSNP rs2151839069, ClinGen allele CA2573132241.

ClinVar aggregate classification (germline): Uncertain significance (1 of 4 stars; one submission).

Submission:

Labcorp Genetics (formerly Invitae), Labcorp
Classification: Uncertain significance. Last evaluated: 2021-08-24. Review status: criteria provided, single submitter. Criteria: Invitae Variant Classification Sherloc (09022015). Collection method: clinical testing. Allele origin: germline.
Comment: This sequence change replaces glutamic acid with leucine at codon 326 of the MECR protein (p.Glu326Leu). The glutamic acid residue is weakly conserved and there is a moderate physicochemical difference between glutamic acid and leucine. This variant has not been reported in the literature in individuals with MECR-related conditions. Algorithms developed to predict the effect of missense changes on protein structure and function are either unavailable or do not agree on the potential impact of this missense change (SIFT: "Not Available"; PolyPhen-2: "Benign"; Align-GVGD: "Not Available"). In summary, the available evidence is currently insufficient to determine the role of this variant in disease. Therefore, it has been classified as a Variant of Uncertain Significance.